The following is an entry in ClinVar:

NM_017534.6(MYH2):c.1700A>C (p.Gln567Pro)

Genes: MYH2 (myosin heavy chain 2; minus strand), MYHAS (myosin heavy chain gene cluster antisense RNA; plus strand). Cytogenetic location: 17p13.1.
Variant type: single nucleotide variant.
Coding change: c.1700A>C on transcript NM_017534.6 (MANE Select); coding-DNA position 1700, A replaced by C.
Protein change: p.Gln567Pro; replaces glutamine 567 with proline.
Molecular consequence: missense variant.
Genome position (GRCh38, 1-based): chr17:10,537,430, T>G on the plus strand (A>C on the coding strand, the complement: MYH2 is on the minus strand). VCF-style: chr17-10537430-T-G. GRCh37 (hg19) VCF-style: chr17-10440747-T-G.
Other names: c.1700A>C, p.Gln567Pro (NM_001100112.2); c.1700A>C (NM_017534.5); short protein forms Q567P.
Identifiers: ClinVar variation 2703326 (VCV002703326.4), dbSNP rs2508451652, ClinGen allele CA398155770.

ClinVar aggregate classification (germline): Uncertain significance. Review status: criteria provided, multiple submitters, no conflicts (2 of 4 stars). 2 submissions from 2 submitters: Uncertain significance (2). Last evaluated 2024-04-07.

Conditions:
Myopathy, proximal, and ophthalmoplegia (CMYO6). Also called: MYOPATHY WITH CONGENITAL JOINT CONTRACTURES, OPHTHALMOPLEGIA, AND RIMMED VACUOLES; INCLUSION BODY MYOPATHY 3, AUTOSOMAL DOMINANT; CONGENITAL MYOPATHY 6 WITH OPHTHALMOPLEGIA. Identifiers: Orphanet 363677, Orphanet 79091, MedGen C1854106, MONDO:0011577, OMIM 605637.

Submissions (2):

GeneDx
Classification: Uncertain significance. Last evaluated: 2024-04-07. Review status: criteria provided, single submitter. Criteria: GeneDx Variant Classification Process June 2021. Collection method: clinical testing. Allele origin: germline. Affected: yes.
Comment: Not observed at significant frequency in large population cohorts (gnomAD); In silico analysis supports that this missense variant has a deleterious effect on protein structure/function; Has not been previously published as pathogenic or benign to our knowledge

Labcorp Genetics (formerly Invitae), Labcorp
Classification: Uncertain significance for Myopathy, proximal, and ophthalmoplegia. Last evaluated: 2023-12-14. Review status: criteria provided, single submitter. Criteria: Invitae Variant Classification Sherloc (09022015). Collection method: clinical testing. Allele origin: germline.
Comment: This sequence change replaces glutamine, which is neutral and polar, with proline, which is neutral and non-polar, at codon 567 of the MYH2 protein (p.Gln567Pro). This variant is not present in population databases (gnomAD no frequency). This variant has not been reported in the literature in individuals affected with MYH2-related conditions. Advanced modeling of protein sequence and biophysical properties (such as structural, functional, and spatial information, amino acid conservation, physicochemical variation, residue mobility, and thermodynamic stability) performed at Invitae indicates that this missense variant is expected to disrupt MYH2 protein function with a positive predictive value of 80%. In summary, the available evidence is currently insufficient to determine the role of this variant in disease. Therefore, it has been classified as a Variant of Uncertain Significance.